The following is an entry in ClinVar:

ClinVar aggregate classification (germline): Uncertain significance (1 of 4 stars; one submission).

Conditions:
Autosomal dominant nocturnal frontal lobe epilepsy 5. Also called: CILIARY DYSKINESIA, PRIMARY, 28, WITHOUT SITUS INVERSUS; KCNT1-Related Epilepsy; CILIARY DYSKINESIA, PRIMARY, 28, WITH SITUS INVERSUS; Epilepsy, nocturnal frontal lobe, 5. Identifiers: Orphanet 98784, MedGen C3554306, MONDO:0014002, OMIM 615005.
Developmental and epileptic encephalopathy, 14 (DEE14). Also called: Early infantile epileptic encephalopathy 14. Identifiers: Orphanet 293181, MedGen C3554195, MONDO:0013989, OMIM 614959.

Submission:

Labcorp Genetics (formerly Invitae), Labcorp
Classification: Uncertain significance for Autosomal dominant nocturnal frontal lobe epilepsy 5; Developmental and epileptic encephalopathy, 14. Last evaluated: 2020-12-28. Review status: criteria provided, single submitter. Criteria: Invitae Variant Classification Sherloc (09022015). Collection method: clinical testing. Allele origin: germline.
Comment: This sequence change replaces cysteine with phenylalanine at codon 852 of the KCNT1 protein (p.Cys852Phe). The cysteine residue is moderately conserved and there is a large physicochemical difference between cysteine and phenylalanine. This variant is not present in population databases (ExAC no frequency). This variant has been observed in individual(s) with clinical features of KCNT1-related conditions (Invitae). ClinVar contains an entry for this variant (Variation ID: 844835). Advanced modeling of protein sequence and biophysical properties (such as structural, functional, and spatial information, amino acid conservation, physicochemical variation, residue mobility, and thermodynamic stability) performed at Invitae indicates that this missense variant is expected to disrupt KCNT1 protein function. In summary, the available evidence is currently insufficient to determine the role of this variant in disease. Therefore, it has been classified as a Variant of Uncertain Significance.

NM_020822.3(KCNT1):c.2555G>T (p.Cys852Phe)

Gene: KCNT1 (potassium sodium-activated channel subfamily T member 1; plus strand). Cytogenetic location: 9q34.3.
Variant type: single nucleotide variant.
Coding change: c.2555G>T on transcript NM_020822.3 (MANE Select); coding-DNA position 2555, G replaced by T.
Protein change: p.Cys852Phe; replaces cysteine 852 with phenylalanine.
Molecular consequence: missense variant.
Genome position (GRCh38, 1-based): chr9:135,778,456, G>T. VCF-style: chr9-135778456-G-T. GRCh37 (hg19) VCF-style: chr9-138670302-G-T.
Other names: c.2420G>T, p.Cys807Phe (NM_001272003.2); short protein forms C807F, C852F.
Identifiers: ClinVar variation 844835 (VCV000844835.10), dbSNP rs1474100198, ClinGen allele CA375513903.